The following is an entry in ClinVar:

ClinVar aggregate classification (germline): Benign (1 of 4 stars; one submission).

Submission:

CeGaT Center for Human Genetics Tuebingen
Classification: Benign. Last evaluated: 2023-05-01. Review status: criteria provided, single submitter. Criteria: CeGaT Center For Human Genetics Tuebingen Variant Classification Criteria Version 2. Collection method: clinical testing. Allele origin: germline. Affected: yes. Observed: 8 variant alleles.
Comment: FOXP2: BS1, BS2

NM_014491.4(FOXP2):c.*216_*220del

Gene: FOXP2 (forkhead box P2; plus strand). Cytogenetic location: 7q31.1.
Variant type: Deletion.
Coding change: c.*216_*220del on transcript NM_014491.4 (MANE Select); 216 bases downstream of the stop codon through 220 bases downstream of the stop codon, 5 bases deleted (TTTTT; older notation c.*216_*220delTTTTT).
Molecular consequence: 3 prime UTR variant. On other transcripts: non-coding transcript variant (2).
Genome position (GRCh38, 1-based): chr7:114,690,142-114,690,146, TTTTT deleted; deleting any 5 consecutive bases within chr7:114,690,130-114,690,146 gives the same sequence; the c. name uses the placement nearest the transcript's 3' end. VCF-style (leftmost placement, unchanged base first): chr7-114690129-CTTTTT-C. GRCh37 (hg19) VCF-style: chr7-114330184-CTTTTT-C.
Other names: c.*216_*220del (NM_001172766.3, NM_148898.4, NM_148900.4).
Identifiers: ClinVar variation 1695209 (VCV001695209.31), dbSNP rs398005924, ClinGen allele CA4446363.